The following is an entry in ClinVar:

ClinVar aggregate classification (germline): Uncertain significance. Review status: criteria provided, multiple submitters, no conflicts (2 of 4 stars). 3 submissions from 3 submitters: Uncertain significance (3). Last evaluated 2025-08-11.

Conditions:
Congenital myasthenic syndrome 8. Also called: MYASTHENIC SYNDROME, CONGENITAL, DUE TO AGRIN DEFICIENCY; Myasthenic syndrome, congenital, 8, with pre- and postsynaptic defects. Identifiers: Orphanet 590, MedGen C3808739, MONDO:0014052, OMIM 615120.
Inborn genetic diseases. Identifiers: MedGen C0950123, MeSH D030342.

Allele frequency attached by ClinVar (database versions not stated): TOPMed 0.00006; ExAC 0.00007; gnomAD 0.00013; 1000 Genomes Project 30x 0.00016; ESP Exome Variant Server 0.00016; 1000 Genomes Project 0.00020.
gnomAD v4.1: 105 of 1,605,596 alleles (0.0065%); highest among the groups gnomAD compares: Admixed American, 0.017%; no homozygotes.

Submissions (3):

Ambry Genetics
Classification: Uncertain significance for Inborn genetic diseases. Last evaluated: 2025-08-11. Review status: criteria provided, single submitter. Criteria: Ambry Variant Classification Scheme 2023. Collection method: clinical testing. Allele origin: germline.

Labcorp Genetics (formerly Invitae), Labcorp
Classification: Uncertain significance for Congenital myasthenic syndrome 8. Last evaluated: 2023-11-13. Review status: criteria provided, single submitter. Criteria: Invitae Variant Classification Sherloc (09022015). Collection method: clinical testing. Allele origin: germline.
Comment: This sequence change replaces arginine, which is basic and polar, with tryptophan, which is neutral and slightly polar, at codon 1233 of the AGRN protein (p.Arg1233Trp). This variant is present in population databases (rs147673996, gnomAD 0.02%). This variant has not been reported in the literature in individuals affected with AGRN-related conditions. ClinVar contains an entry for this variant (Variation ID: 390183). Algorithms developed to predict the effect of missense changes on protein structure and function output the following: SIFT: "Not Available"; PolyPhen-2: "Benign"; Align-GVGD: "Not Available". The tryptophan amino acid residue is found in multiple mammalian species, which suggests that this missense change does not adversely affect protein function. In summary, the available evidence is currently insufficient to determine the role of this variant in disease. Therefore, it has been classified as a Variant of Uncertain Significance.

GeneDx
Classification: Uncertain significance. Last evaluated: 2016-10-27. Review status: criteria provided, single submitter. Criteria: GeneDx Variant Classification (06012015). Collection method: clinical testing. Allele origin: germline. Affected: yes.
Comment: The R1233W variant in the AGRN gene has not been reported previously as a pathogenic variant, nor as a benign variant, to our knowledge. The R1233W variant was not observed at any significant frequency in approximately 6,500 individuals of European and African American ancestry by the NHLBI Exome Sequencing Project. The R1233W variant is a non-conservative amino acid substitution, which is likely to impact secondary protein structure as these residues differ in polarity, charge, size and/or other properties. This substitution occurs at a position that is not conserved. In silico analysis is inconsistent in its predictions as to whether or not the variant is damaging to the protein structure/function. We interpret R1233W as a variant of uncertain significance.

NM_198576.4(AGRN):c.3697C>T (p.Arg1233Trp)

Gene: AGRN (agrin; plus strand). Cytogenetic location: 1p36.33.
Variant type: single nucleotide variant.
Coding change: c.3697C>T on transcript NM_198576.4 (MANE Select); coding-DNA position 3697, C replaced by T.
Protein change: p.Arg1233Trp; replaces arginine 1233 with tryptophan.
Molecular consequence: missense variant.
Genome position (GRCh38, 1-based): chr1:1,047,841, C>T. VCF-style: chr1-1047841-C-T. GRCh37 (hg19) VCF-style: chr1-983221-C-T.
Other names: c.3697C>T, p.Arg1233Trp (NM_001305275.2); c.3382C>T, p.Arg1128Trp (NM_001364727.2); short protein forms R1233W, R1128W.
Identifiers: ClinVar variation 390183 (VCV000390183.12), dbSNP rs147673996, ClinGen allele CA509192.
Genomic context (GRCh38, chr1:1,047,841, plus strand): 5'-GCCTTCAGGGCACCCGACGTGGCCCGGGCCCTGCTCCGGCAGATCCAGGTGTCCAGGCGC[C>T]GGTCCTTGGGGGTGAGGCGGCCGCTGCAGGAGCACGTGCGATTTATGGACTTTGGTGAGC-3'
Protein context (NP_940978.2, residues 1223-1243): LLRQIQVSRR[Arg1233Trp]SLGVRRPLQE